The following is an entry in ClinVar:

NM_001363118.2(SLC52A2):c.644T>A (p.Leu215Gln)

Gene: SLC52A2 (solute carrier family 52 member 2; plus strand). Cytogenetic location: 8q24.3.
Variant type: single nucleotide variant.
Coding change: c.644T>A on transcript NM_001363118.2 (MANE Select); coding-DNA position 644, T replaced by A.
Protein change: p.Leu215Gln; replaces leucine 215 with glutamine.
Molecular consequence: missense variant. On other transcripts: non-coding transcript variant (1).
Genome position (GRCh38, 1-based): chr8:144,360,136, T>A. VCF-style: chr8-144360136-T-A. GRCh37 (hg19) VCF-style: chr8-145583796-T-A.
Other names: c.644T>A, p.Leu215Gln (NM_001253815.2, NM_001253816.2, NM_001363120.2 and 2 more transcripts); c.152T>A, p.Leu51Gln (NM_001363122.2); c.380T>A, p.Leu127Gln (NM_001410949.1); short protein forms L127Q, L215Q, L51Q.
Identifiers: ClinVar variation 1720428 (VCV001720428.5), dbSNP rs2489043363, ClinGen allele CA372627573.

ClinVar aggregate classification (germline): Uncertain significance (1 of 4 stars; one submission).

Conditions:
Brown-Vialetto-van Laere syndrome 2. Also called: SPINOCEREBELLAR ATAXIA WITH BLINDNESS AND DEAFNESS 2; Riboflavin transporter deficiency type 2. Identifiers: Orphanet 572543, Orphanet 97229, MedGen C3553538, MONDO:0013867, OMIM 614707.

Submission:

Labcorp Genetics (formerly Invitae), Labcorp
Classification: Uncertain significance for Brown-Vialetto-van Laere syndrome 2. Last evaluated: 2022-09-26. Review status: criteria provided, single submitter. Criteria: Invitae Variant Classification Sherloc (09022015). Collection method: clinical testing. Allele origin: germline.
Comment: In summary, the available evidence is currently insufficient to determine the role of this variant in disease. Therefore, it has been classified as a Variant of Uncertain Significance. Advanced modeling of protein sequence and biophysical properties (such as structural, functional, and spatial information, amino acid conservation, physicochemical variation, residue mobility, and thermodynamic stability) performed at Invitae indicates that this missense variant is not expected to disrupt SLC52A2 protein function. This sequence change replaces leucine, which is neutral and non-polar, with glutamine, which is neutral and polar, at codon 215 of the SLC52A2 protein (p.Leu215Gln). This variant is not present in population databases (gnomAD no frequency). This variant has not been reported in the literature in individuals affected with SLC52A2-related conditions.